The following is an entry in ClinVar:

ClinVar aggregate classification (germline): Uncertain significance (1 of 4 stars; one submission).

Conditions:
Hereditary breast ovarian cancer syndrome. Also called: Hereditary breast and/or ovarian cancer syndrome; Hereditary breast and ovarian cancer syndrome; Hereditary breast and ovarian cancer syndrome (HBOC); Breast and ovarian cancer; BRCA1- and BRCA2-Associated Hereditary Breast and Ovarian Cancer; Hereditary breast and ovarian cancer. Identifiers: Orphanet 145, MedGen C0677776, MeSH D061325, MONDO:0003582. Disease mechanism: loss of function.

Submission:

Labcorp Genetics (formerly Invitae), Labcorp
Classification: Uncertain significance for Hereditary breast ovarian cancer syndrome. Last evaluated: 2019-04-28. Review status: criteria provided, single submitter. Criteria: Invitae Variant Classification Sherloc (09022015). Collection method: clinical testing. Allele origin: germline.
Comment: In summary, the available evidence is currently insufficient to determine the role of this variant in disease. Therefore, it has been classified as a Variant of Uncertain Significance. This sequence change replaces aspartic acid with alanine at codon 2317 of the BRCA2 protein (p.Asp2317Ala). The aspartic acid residue is highly conserved and there is a moderate physicochemical difference between aspartic acid and alanine. This variant is not present in population databases (ExAC no frequency). This variant has not been reported in the literature in individuals with BRCA2-related conditions. Algorithms developed to predict the effect of missense changes on protein structure and function are either unavailable or do not agree on the potential impact of this missense change (SIFT: "Deleterious"; PolyPhen-2: "Probably Damaging"; Align-GVGD: "Class C0").

NM_000059.4(BRCA2):c.6950A>C (p.Asp2317Ala)

Gene: BRCA2 (BRCA2 DNA repair associated; plus strand). Cytogenetic location: 13q13.1.
Variant type: single nucleotide variant.
Coding change: c.6950A>C on transcript NM_000059.4 (MANE Select); coding-DNA position 6950, A replaced by C.
Protein change: p.Asp2317Ala; replaces aspartic acid 2317 with alanine.
Molecular consequence: missense variant.
Genome position (GRCh38, 1-based): chr13:32,346,839, A>C. VCF-style: chr13-32346839-A-C. GRCh37 (hg19) VCF-style: chr13-32920976-A-C.
Other names: short protein forms D2317A.
Identifiers: ClinVar variation 947204 (VCV000947204.10), dbSNP rs1555285332, ClinGen allele CA387792989.